The following is an entry in ClinVar:

ClinVar aggregate classification (germline): Pathogenic (1 of 4 stars; one submission).

Conditions:
Multiple congenital exostosis (EXT). Also called: MULTIPLE CARTILAGINOUS EXOSTOSES; Hereditary multiple exostoses; Hereditary multiple exostosis; Hereditary multiple osteochondromas; Multiple osteochondromas; Multiple exostoses. Identifiers: Orphanet 321, MedGen C0015306, MONDO:0005508, HP:0002762.

Submission:

Labcorp Genetics (formerly Invitae), Labcorp
Classification: Pathogenic for Multiple congenital exostosis. Last evaluated: 2025-06-16. Review status: criteria provided, single submitter. Criteria: Invitae Variant Classification Sherloc (09022015). Collection method: clinical testing. Allele origin: germline.
Comment: This sequence change affects an acceptor splice site in intron 5 of the EXT1 gene. It is expected to disrupt RNA splicing. Variants that disrupt the donor or acceptor splice site typically lead to a loss of protein function (PMID: 16199547), and loss-of-function variants in EXT1 are known to be pathogenic (PMID: 10679937, 11391482, 19810120). This variant is not present in population databases (gnomAD no frequency). Disruption of this splice site has been observed in individual(s) with multiple osteochondromas (PMID: 10713884, 17041877). Algorithms developed to predict the effect of sequence changes on RNA splicing suggest that this variant may disrupt the consensus splice site. For these reasons, this variant has been classified as Pathogenic.

Literature cited by the submitters: PubMed 16199547; PubMed 10679937; PubMed 11391482; PubMed 19810120; PubMed 10713884; PubMed 17041877.

NM_000127.3(EXT1):c.1418-2A>C

Gene: EXT1 (exostosin glycosyltransferase 1; minus strand). Cytogenetic location: 8q24.11.
Variant type: single nucleotide variant.
Coding change: c.1418-2A>C on transcript NM_000127.3 (MANE Select); the canonical splice acceptor site of the intron before coding-DNA position 1418, A replaced by C.
Molecular consequence: splice acceptor variant.
Genome position (GRCh38, 1-based): chr8:117,819,796, T>G on the plus strand (A>C on the coding strand, the complement: EXT1 is on the minus strand). VCF-style: chr8-117819796-T-G. GRCh37 (hg19) VCF-style: chr8-118832035-T-G.
Identifiers: ClinVar variation 4709654 (VCV004709654.1).